The following is an entry in ClinVar:

NM_000466.3(PEX1):c.2826T>G (p.Phe942Leu)

Genes: GATAD1 (GATA zinc finger domain containing 1; plus strand), PEX1 (peroxisomal biogenesis factor 1; minus strand). Cytogenetic location: 7q21.2.
Variant type: single nucleotide variant.
Coding change: c.2826T>G on transcript NM_000466.3 (MANE Select); coding-DNA position 2826, T replaced by G.
Protein change: p.Phe942Leu; replaces phenylalanine 942 with leucine.
Molecular consequence: missense variant.
Genome position (GRCh38, 1-based): chr7:92,494,587, A>C on the plus strand (T>G on the coding strand, the complement: PEX1 is on the minus strand). VCF-style: chr7-92494587-A-C. GRCh37 (hg19) VCF-style: chr7-92123901-A-C.
Other names: c.2655T>G, p.Phe885Leu (NM_001282677.2); c.2202T>G, p.Phe734Leu (NM_001282678.2); short protein forms F734L, F885L, F942L.
Identifiers: ClinVar variation 1015212 (VCV001015212.6), dbSNP rs756877568, ClinGen allele CA4340997.

ClinVar aggregate classification (germline): Uncertain significance (1 of 4 stars; one submission).

Conditions:
Zellweger spectrum disorders (ZS). Also called: Zellweger Spectrum Disorder; Zellweger Spectrum; Zellweger Spectrum Disorder (ZSD); Zellweger syndrome. Identifiers: Orphanet 912, MedGen C0043459, MONDO:0019609.

Allele frequency attached by ClinVar (database versions not stated): gnomAD exomes below 0.00001; ExAC 0.00001.
gnomAD v4.1: 1 of 1,614,052 alleles (0.000062%); highest among the groups gnomAD compares: East Asian, 0.0022%; no homozygotes.

Submission:

Labcorp Genetics (formerly Invitae), Labcorp
Classification: Uncertain significance for Zellweger spectrum disorders. Last evaluated: 2022-04-01. Review status: criteria provided, single submitter. Criteria: Invitae Variant Classification Sherloc (09022015). Collection method: clinical testing. Allele origin: germline.
Comment: This sequence change replaces phenylalanine, which is neutral and non-polar, with leucine, which is neutral and non-polar, at codon 942 of the PEX1 protein (p.Phe942Leu). This variant is present in population databases (rs756877568, gnomAD 0.006%). This variant has not been reported in the literature in individuals affected with PEX1-related conditions. ClinVar contains an entry for this variant (Variation ID: 1015212). Algorithms developed to predict the effect of missense changes on protein structure and function are either unavailable or do not agree on the potential impact of this missense change (SIFT: "Tolerated"; PolyPhen-2: "Possibly Damaging"; Align-GVGD: "Class C0"). In summary, the available evidence is currently insufficient to determine the role of this variant in disease. Therefore, it has been classified as a Variant of Uncertain Significance.